The following is an entry in ClinVar:

ClinVar aggregate classification (germline): Uncertain significance. Review status: criteria provided, multiple submitters, no conflicts (2 of 4 stars). 2 submissions from 2 submitters: Uncertain significance (2). Last evaluated 2024-11-15.

Conditions:
Hereditary cancer-predisposing syndrome. Also called: Neoplastic Syndromes, Hereditary; Tumor predisposition; Hereditary neoplastic syndrome; Hereditary Cancer Syndrome. Identifiers: Orphanet 140162, MedGen C0027672, MeSH D009386, MONDO:0015356.
Bloom syndrome (BLM). Also called: Bloom-Torre-Machacek syndrome. Identifiers: Orphanet 125, MedGen C0005859, MONDO:0008876, OMIM 210900.

Allele frequency attached by ClinVar (database versions not stated): ExAC 0.00001; gnomAD exomes 0.00002.
gnomAD v4.1: 9 of 1,613,416 alleles (0.00056%); highest among the groups gnomAD compares: Non-Finnish European, 0.00068%; no homozygotes.

Submissions (2):

Ambry Genetics
Classification: Uncertain significance for Hereditary cancer-predisposing syndrome. Last evaluated: 2024-11-15. Review status: criteria provided, single submitter. Criteria: Ambry Variant Classification Scheme 2023. Collection method: clinical testing. Allele origin: germline.
Comment: The p.L427W variant (also known as c.1280T>G), located in coding exon 6 of the BLM gene, results from a T to G substitution at nucleotide position 1280. The leucine at codon 427 is replaced by tryptophan, an amino acid with similar properties. This amino acid position is conserved. In addition, this alteration is predicted to be tolerated by in silico analysis. Since supporting evidence is limited at this time, the clinical significance of this alteration remains unclear.

Labcorp Genetics (formerly Invitae), Labcorp
Classification: Uncertain significance for Bloom syndrome. Last evaluated: 2024-04-11. Review status: criteria provided, single submitter. Criteria: Invitae Variant Classification Sherloc (09022015). Collection method: clinical testing. Allele origin: germline.
Comment: This sequence change replaces leucine, which is neutral and non-polar, with tryptophan, which is neutral and slightly polar, at codon 427 of the BLM protein (p.Leu427Trp). This variant is present in population databases (rs750960910, gnomAD 0.004%). This variant has not been reported in the literature in individuals affected with BLM-related conditions. ClinVar contains an entry for this variant (Variation ID: 2143076). Advanced modeling of protein sequence and biophysical properties (such as structural, functional, and spatial information, amino acid conservation, physicochemical variation, residue mobility, and thermodynamic stability) performed at Invitae indicates that this missense variant is not expected to disrupt BLM protein function with a negative predictive value of 80%. In summary, the available evidence is currently insufficient to determine the role of this variant in disease. Therefore, it has been classified as a Variant of Uncertain Significance.

NM_000057.4(BLM):c.1280T>G (p.Leu427Trp)

Gene: BLM (BLM RecQ like helicase; plus strand). Cytogenetic location: 15q26.1.
Variant type: single nucleotide variant.
Coding change: c.1280T>G on transcript NM_000057.4 (MANE Select); coding-DNA position 1280, T replaced by G.
Protein change: p.Leu427Trp; replaces leucine 427 with tryptophan.
Molecular consequence: missense variant.
Genome position (GRCh38, 1-based): chr15:90,760,653, T>G. VCF-style: chr15-90760653-T-G. GRCh37 (hg19) VCF-style: chr15-91303883-T-G.
Other names: c.1280T>G, p.Leu427Trp (NM_001287246.2, NM_001287247.2); c.155T>G, p.Leu52Trp (NM_001287248.2); short protein forms L52W, L427W.
Identifiers: ClinVar variation 2143076 (VCV002143076.5), dbSNP rs750960910, ClinGen allele CA7738514.